The following is an entry in ClinVar:

ClinVar aggregate classification (germline): Uncertain significance (1 of 4 stars; one submission).

gnomAD v4.1: 3 of 1,613,988 alleles (0.00019%); highest among the groups gnomAD compares: Admixed American, 0.0033%; no homozygotes.

Submission:

Labcorp Genetics (formerly Invitae), Labcorp
Classification: Uncertain significance. Last evaluated: 2025-01-30. Review status: criteria provided, single submitter. Criteria: Invitae Variant Classification Sherloc (09022015). Collection method: clinical testing. Allele origin: germline.
Comment: This sequence change replaces tyrosine, which is neutral and polar, with phenylalanine, which is neutral and non-polar, at codon 11 of the STT3A protein (p.Tyr11Phe). This variant is present in population databases (rs756193596, gnomAD 0.006%). This variant has not been reported in the literature in individuals affected with STT3A-related conditions. An algorithm developed to predict the effect of missense changes on protein structure and function (PolyPhen-2) suggests that this variant is likely to be tolerated. In summary, the available evidence is currently insufficient to determine the role of this variant in disease. Therefore, it has been classified as a Variant of Uncertain Significance.

NM_152713.5(STT3A):c.32A>T (p.Tyr11Phe)

Gene: STT3A (STT3 oligosaccharyltransferase complex catalytic subunit A; plus strand). Cytogenetic location: 11q24.2.
Variant type: single nucleotide variant.
Coding change: c.32A>T on transcript NM_152713.5 (MANE Select); coding-DNA position 32, A replaced by T.
Protein change: p.Tyr11Phe; replaces tyrosine 11 with phenylalanine.
Molecular consequence: missense variant. On other transcripts: intron variant (1).
Genome position (GRCh38, 1-based): chr11:125,595,947, A>T. VCF-style: chr11-125595947-A-T. GRCh37 (hg19) VCF-style: chr11-125465842-A-T.
Other names: c.32A>T, p.Tyr11Phe (NM_001278503.2); c.-188-1112A>T (NM_001278504.2); short protein forms Y11F.
Identifiers: ClinVar variation 3665246 (VCV003665246.2).